The following is an entry in ClinVar:

NM_000051.4(ATM):c.8748T>C (p.Asp2916=)

Genes: ATM (ATM serine/threonine kinase; plus strand), C11orf65 (chromosome 11 open reading frame 65; minus strand). Cytogenetic location: 11q22.3.
Variant type: single nucleotide variant.
Coding change: c.8748T>C on transcript NM_000051.4 (MANE Select); coding-DNA position 8748, T replaced by C.
Protein change: p.Asp2916=; no amino-acid change (aspartic acid 2916 retained).
Molecular consequence: synonymous variant. On other transcripts: intron variant (2).
Genome position (GRCh38, 1-based): chr11:108,353,842, T>C. VCF-style: chr11-108353842-T-C. GRCh37 (hg19) VCF-style: chr11-108224569-T-C.
Other names: c.8748T>C, p.Asp2916= (NM_001351834.2); c.640+32078A>G (NM_001330368.2); c.695-18550A>G (NM_001351110.2).
Identifiers: ClinVar variation 1610252 (VCV001610252.11), dbSNP rs2137293260, ClinGen allele CA476673919.
Genomic context (GRCh38, chr11:108,353,842, plus strand): 5'-GGGCAAAATCCTTCCTACTCCTGAGACAGTTCCTTTTAGACTCACCAGAGATATTGTGGA[T>C]GGCATGGGCATTACGGGTGTTGAAGGTGTCTTCAGAAGGTAAGTGATATGAAGTAAAGGA-3'
Protein context (NP_000042.3, residues 2906-2926): VPFRLTRDIV[Asp2916=]GMGITGVEGV

ClinVar aggregate classification (germline): Benign/Likely benign. Review status: criteria provided, multiple submitters, no conflicts (2 of 4 stars). 3 submissions from 3 submitters: Benign (1); Likely benign (2). Last evaluated 2025-08-24.

Conditions:
Familial cancer of breast. Also called: BREAST CANCER, FAMILIAL; Hereditary breast cancer; hereditary breast carcinoma. Identifiers: Orphanet 227535, MedGen C0346153, MONDO:0016419, OMIM 114480. Disease mechanism: loss of function.
Ataxia-telangiectasia syndrome (AT). Also called: LOUIS-BAR SYNDROME; Cerebello-oculocutaneous telangiectasia; Immunodeficiency with ataxia telangiectasia; Ataxia telangiectasia (A-T); Ataxia-telangiectasia, complementation group D; AT, COMPLEMENTATION GROUP C. Identifiers: Orphanet 100, MedGen C0004135, MONDO:0008840, OMIM 208900.
Hereditary cancer-predisposing syndrome. Also called: Neoplastic Syndromes, Hereditary; Tumor predisposition; Hereditary Cancer Syndrome; Hereditary neoplastic syndrome. Identifiers: Orphanet 140162, MedGen C0027672, MeSH D009386, MONDO:0015356.

Submissions (3):

Ambry Genetics
Classification: Likely benign for Hereditary cancer-predisposing syndrome. Last evaluated: 2025-08-24. Review status: criteria provided, single submitter. Criteria: Ambry Variant Classification Scheme 2023. Collection method: clinical testing. Allele origin: germline.

Labcorp Genetics (formerly Invitae), Labcorp
Classification: Likely benign for Ataxia-telangiectasia syndrome. Last evaluated: 2025-04-09. Review status: criteria provided, single submitter. Criteria: Invitae Variant Classification Sherloc (09022015). Collection method: clinical testing. Allele origin: germline.

Myriad Genetics, Inc.
Classification: Benign for Familial cancer of breast. Last evaluated: 2024-06-20. Review status: criteria provided, single submitter. Criteria: Myriad Autosomal Dominant, Autosomal Recessive and X-Linked Classification Criteria (2023). Collection method: clinical testing. Allele origin: unknown.
Comment: This variant is considered benign. This variant is a silent/synonymous amino acid change and it is not expected to impact splicing.